The following is an entry in ClinVar:

NM_206933.4(USH2A):c.9958+1G>C

Gene: USH2A (usherin; minus strand). Cytogenetic location: 1q41.
Variant type: single nucleotide variant.
Coding change: c.9958+1G>C on transcript NM_206933.4 (MANE Select); the canonical splice donor site of the intron after coding-DNA position 9958, G replaced by C.
Molecular consequence: splice donor variant.
Genome position (GRCh38, 1-based): chr1:215,798,906, C>G on the plus strand (G>C on the coding strand, the complement: USH2A is on the minus strand). VCF-style: chr1-215798906-C-G. GRCh37 (hg19) VCF-style: chr1-215972248-C-G.
Identifiers: ClinVar variation 2760362 (VCV002760362.3), dbSNP rs2464453425, ClinGen allele CA344848139.

ClinVar aggregate classification (germline): Likely pathogenic (1 of 4 stars; one submission).

Submission:

Labcorp Genetics (formerly Invitae), Labcorp
Classification: Likely pathogenic. Last evaluated: 2023-11-10. Review status: criteria provided, single submitter. Criteria: Invitae Variant Classification Sherloc (09022015). Collection method: clinical testing. Allele origin: germline.
Comment: This sequence change affects a donor splice site in intron 50 of the USH2A gene. It is expected to disrupt RNA splicing. Variants that disrupt the donor or acceptor splice site typically lead to a loss of protein function (PMID: 16199547), and loss-of-function variants in USH2A are known to be pathogenic (PMID: 10729113, 10909849, 20507924, 25649381). This variant is not present in population databases (gnomAD no frequency). This variant has not been reported in the literature in individuals affected with USH2A-related conditions. Algorithms developed to predict the effect of sequence changes on RNA splicing suggest that this variant may disrupt the consensus splice site. In summary, the currently available evidence indicates that the variant is pathogenic, but additional data are needed to prove that conclusively. Therefore, this variant has been classified as Likely Pathogenic.

Literature cited by the submitters: PubMed 16199547; PubMed 10729113; PubMed 10909849; PubMed 20507924; PubMed 25649381.